The following is an entry in ClinVar:

NM_001267550.2(TTN):c.11312-4416G>C

Gene: TTN (titin; minus strand). Cytogenetic location: 2q31.2.
Variant type: single nucleotide variant.
Coding change: c.11312-4416G>C on transcript NM_001267550.2 (MANE Select); 4416 bases into the intron before coding-DNA position 11312, G replaced by C.
Molecular consequence: intron variant. On other transcripts: missense variant (1).
Genome position (GRCh38, 1-based): chr2:178,746,337, C>G on the plus strand (G>C on the coding strand, the complement: TTN is on the minus strand). VCF-style: chr2-178746337-C-G. GRCh37 (hg19) VCF-style: chr2-179611064-C-G.
Other names: c.16063G>C, p.Val5355Leu (NM_133379.5); c.10223-4416G>C (NM_003319.4); c.10799-4416G>C (NM_133437.4); c.10598-4416G>C (NM_133432.3); c.10360+6787G>C (NM_133378.4); c.10361-4416G>C (NM_001256850.1); short protein forms V5355L.
Identifiers: ClinVar variation 4533585 (VCV004533585.7).

ClinVar aggregate classification (germline): Conflicting classifications of pathogenicity. Review status: criteria provided, conflicting classifications (1 of 4 stars). 2 submissions from 2 submitters: Uncertain significance (1); Likely benign (1). Last evaluated 2025-10-01.

Submissions (2):

CeGaT Center for Human Genetics Tuebingen
Classification: Uncertain significance. Last evaluated: 2025-10-01. Review status: criteria provided, single submitter. Criteria: CeGaT Center For Human Genetics Tuebingen Variant Classification Criteria Version 2. Collection method: clinical testing. Allele origin: germline. Affected: yes. Observed: 1 variant allele.
Comment: TTN: PM2, BP4

Blueprint Genetics
Classification: Likely benign. Last evaluated: 2023-11-14. Review status: criteria provided, single submitter. Criteria: ACMG Guidelines, 2015. Collection method: clinical testing. Allele origin: germline.